The following is an entry in ClinVar:

NM_001378609.3(OTOGL):c.343A>C (p.Met115Leu)

Gene: OTOGL (otogelin like; plus strand). Cytogenetic location: 12q21.31.
Variant type: single nucleotide variant.
Coding change: c.343A>C on transcript NM_001378609.3 (MANE Select); coding-DNA position 343, A replaced by C.
Protein change: p.Met115Leu; replaces methionine 115 with leucine.
Molecular consequence: missense variant.
Genome position (GRCh38, 1-based): chr12:80,222,099, A>C. VCF-style: chr12-80222099-A-C. GRCh37 (hg19) VCF-style: chr12-80615879-A-C.
Other names: c.343A>C, p.Met115Leu (NM_001368062.3, NM_001378610.3, NM_173591.7); short protein forms M106L, M115L.
Identifiers: ClinVar variation 226938 (VCV000226938.14), dbSNP rs200912084, ClinGen allele CA6700150.

ClinVar aggregate classification (germline): Benign. Review status: criteria provided, multiple submitters, no conflicts (2 of 4 stars). 3 submissions from 3 submitters: Benign (3). Last evaluated 2026-01-24.

Allele frequency attached by ClinVar (database versions not stated): gnomAD exomes 0.00099 and 0.00035; ExAC 0.00111; ESP Exome Variant Server 0.00330; gnomAD 0.00391 and 0.00360; 1000 Genomes Project 30x 0.00328; TOPMed 0.00407; 1000 Genomes Project 0.00339.

Submissions (3):

Labcorp Genetics (formerly Invitae), Labcorp
Classification: Benign. Last evaluated: 2026-01-24. Review status: criteria provided, single submitter. Criteria: Invitae Variant Classification Sherloc (09022015). Collection method: clinical testing. Allele origin: germline.

GeneDx
Classification: Benign. Last evaluated: 2019-04-18. Review status: criteria provided, single submitter. Criteria: GeneDx Variant Classification Process June 2021. Collection method: clinical testing. Allele origin: germline. Affected: yes.

Laboratory for Molecular Medicine, Mass General Brigham Personalized Medicine
Classification: Benign. Last evaluated: 2014-11-24. Review status: criteria provided, single submitter. Criteria: LMM Criteria. Collection method: clinical testing. Allele origin: germline. Observed: 2 variant alleles.
Comment: Met106Leu in exon 6 of OTOGL: This variant is not expected to have clinical sign ificance because it has been identified in 1.1% (39/3668) of African American ch romosomes from a broad population by the NHLBI Exome Sequencing Project.